The following is an entry in ClinVar:

NM_001374736.1(DST):c.18895A>C (p.Asn6299His)

Gene: DST (dystonin; minus strand). Cytogenetic location: 6p12.1.
Variant type: single nucleotide variant.
Coding change: c.18895A>C on transcript NM_001374736.1 (MANE Select); coding-DNA position 18895, A replaced by C.
Protein change: p.Asn6299His; replaces asparagine 6299 with histidine.
Molecular consequence: missense variant.
Genome position (GRCh38, 1-based): chr6:56,509,759, T>G on the plus strand (A>C on the coding strand, the complement: DST is on the minus strand). VCF-style: chr6-56509759-T-G. GRCh37 (hg19) VCF-style: chr6-56374557-T-G.
Other names: c.12538A>C, p.Asn4180His (NM_001144769.5); c.12124A>C, p.Asn4042His (NM_001144770.2); c.18895A>C, p.Asn6299His (NM_001374722.1); c.17935A>C, p.Asn5979His (NM_001374729.1); c.11677A>C, p.Asn3893His (NM_001374730.1); c.18922A>C, p.Asn6308His (NM_001374734.1); c.12004A>C, p.Asn4002His (NM_001386100.1, NM_183380.4); c.11026A>C, p.Asn3676His (NM_015548.5); short protein forms N3676H, N3893H, N4002H, N4042H, N4180H, N5979H, N6299H, N6308H.
Identifiers: ClinVar variation 5017726 (VCV005017726.1).

ClinVar aggregate classification (germline): Uncertain significance (1 of 4 stars; one submission).

gnomAD v4.1: 18 of 1,613,792 alleles (0.0011%); highest among the groups gnomAD compares: Admixed American, 0.0067%; no homozygotes.

Submission:

GeneDx
Classification: Uncertain significance. Last evaluated: 2026-03-31. Review status: criteria provided, single submitter. Criteria: GeneDx Variant Classification Process June 2021. Collection method: clinical testing. Allele origin: germline.
Comment: In silico analysis supports that this missense variant has a deleterious effect on protein structure/function; Reported using an alternate transcript (non-epithelial isoform) of the gene; Has not been previously published as pathogenic or benign to our knowledge